The following is an entry in ClinVar:

NM_001256071.3(RNF213):c.1736T>C (p.Leu579Ser)

Gene: RNF213 (ring finger protein 213; plus strand). Cytogenetic location: 17q25.3.
Variant type: single nucleotide variant.
Coding change: c.1736T>C on transcript NM_001256071.3 (MANE Select); coding-DNA position 1736, T replaced by C.
Protein change: p.Leu579Ser; replaces leucine 579 with serine.
Molecular consequence: missense variant.
Genome position (GRCh38, 1-based): chr17:80,294,984, T>C. VCF-style: chr17-80294984-T-C. GRCh37 (hg19) VCF-style: chr17-78268783-T-C.
Other names: c.1736T>C, p.Leu579Ser (NM_020954.4); short protein forms L579S.
Identifiers: ClinVar variation 1316632 (VCV001316632.2), dbSNP rs2143387835, ClinGen allele CA401372926.
Genomic context (GRCh38, chr17:80,294,984, plus strand): 5'-TTTGCTTTGTCCTGCAACAGCCTATGATTTATGAAGGACAGGCACAGCTGTGGACCGATT[T>C]GCAGTACAGGGAGAAAGAGGTATCAGGCTTGCCACCAGCTGCTCTACCTGCTGGGCAGGA-3'
Protein context (NP_001243000.2, residues 569-589): YEGQAQLWTD[Leu579Ser]QYREKEVKRY

ClinVar aggregate classification (germline): Uncertain significance (1 of 4 stars; one submission).

Submission:

GeneDx
Classification: Uncertain significance. Last evaluated: 2020-02-14. Review status: criteria provided, single submitter. Criteria: GeneDx Variant Classification Process June 2021. Collection method: clinical testing. Allele origin: germline. Affected: yes.
Comment: Not observed in large population cohorts (Lek et al., 2016); In silico analysis supports that this missense variant has a deleterious effect on protein structure/function; Has not been previously published as pathogenic or benign to our knowledge